The following is an entry in ClinVar:

NM_006904.7(PRKDC):c.7888C>T (p.Pro2630Ser)

Gene: PRKDC (protein kinase, DNA-activated, catalytic subunit; minus strand). Cytogenetic location: 8q11.21.
Variant type: single nucleotide variant.
Coding change: c.7888C>T on transcript NM_006904.7 (MANE Select); coding-DNA position 7888, C replaced by T.
Protein change: p.Pro2630Ser; replaces proline 2630 with serine.
Molecular consequence: missense variant.
Genome position (GRCh38, 1-based): chr8:47,836,401, G>A on the plus strand (C>T on the coding strand, the complement: PRKDC is on the minus strand). VCF-style: chr8-47836401-G-A. GRCh37 (hg19) VCF-style: chr8-48748962-G-A.
Other names: c.7888C>T, p.Pro2630Ser (NM_001081640.2); short protein forms P2630S.
Identifiers: ClinVar variation 3225917 (VCV003225917.1), dbSNP rs2154499706, ClinGen allele CA371150659.

ClinVar aggregate classification (germline): Uncertain significance (1 of 4 stars; one submission).

Allele frequency attached by ClinVar (database versions not stated): gnomAD exomes below 0.00001.
gnomAD v4.1: 1 of 1,611,742 alleles (0.000062%); highest among the groups gnomAD compares: East Asian, 0.0022%; no homozygotes.

Submission:

Ambry Genetics
Classification: Uncertain significance. Last evaluated: 2023-10-15. Review status: criteria provided, single submitter. Criteria: Ambry Variant Classification Scheme 2023. Collection method: clinical testing. Allele origin: germline.
Comment: The p.P2630S variant (also known as c.7888C>T), located in coding exon 58 of the PRKDC gene, results from a C to T substitution at nucleotide position 7888. The proline at codon 2630 is replaced by serine, an amino acid with similar properties. This amino acid position is conserved. In addition, this alteration is predicted to be tolerated by in silico analysis. Since supporting evidence is limited at this time, the clinical significance of this alteration remains unclear.